The following is an entry in ClinVar:

ClinVar aggregate classification (germline): Uncertain significance (1 of 4 stars; one submission).

gnomAD v4.1: 5 of 1,614,062 alleles (0.00031%); highest among the groups gnomAD compares: African/African-American, 0.0027%; no homozygotes.

Submission:

Ambry Genetics
Classification: Uncertain significance. Last evaluated: 2024-11-28. Review status: criteria provided, single submitter. Criteria: Ambry Variant Classification Scheme 2023. Collection method: clinical testing. Allele origin: germline.
Comment: The p.Q1088K variant (also known as c.3262C>A), located in coding exon 12 of the CDK12 gene, results from a C to A substitution at nucleotide position 3262. The glutamine at codon 1088 is replaced by lysine, an amino acid with similar properties. This amino acid position is conserved. In addition, this alteration is predicted to be tolerated by in silico analysis. Based on the available evidence, the clinical significance of this variant remains unclear.

NM_016507.4(CDK12):c.3262C>A (p.Gln1088Lys)

Gene: CDK12 (cyclin dependent kinase 12; plus strand). Cytogenetic location: 17q12.
Variant type: single nucleotide variant.
Coding change: c.3262C>A on transcript NM_016507.4 (MANE Select); coding-DNA position 3262, C replaced by A.
Protein change: p.Gln1088Lys; replaces glutamine 1088 with lysine.
Molecular consequence: missense variant.
Genome position (GRCh38, 1-based): chr17:39,524,840, C>A. VCF-style: chr17-39524840-C-A. GRCh37 (hg19) VCF-style: chr17-37681093-C-A.
Other names: c.3262C>A, p.Gln1088Lys (NM_015083.4); short protein forms Q1088K.
Identifiers: ClinVar variation 3489319 (VCV003489319.1).